The following is an entry in ClinVar:

NM_001851.4(COL9A1):c.-364C>G

Gene: COL9A1 (collagen type IX alpha 1 chain; minus strand). Cytogenetic location: 6q13.
Variant type: single nucleotide variant.
Coding change: c.-364C>G on transcript NM_001851.4; 364 bases upstream of the start codon, C replaced by G.
Genome position (GRCh38, 1-based): chr6:70,303,288, G>C on the plus strand (C>G on the coding strand, the complement: COL9A1 is on the minus strand). VCF-style: chr6-70303288-G-C. GRCh37 (hg19) VCF-style: chr6-71012991-G-C.
Identifiers: ClinVar variation 669411 (VCV000669411.3), dbSNP rs6916646, ClinGen allele CA15430101.
Genomic context (GRCh38, chr6:70,303,288, plus strand): 5'-GCTGAAAAGAAAAAAATAAAATCAGGATGTGGGGAAATTCACCAGAAAGATCCAGGCAAG[G>C]TGCTATAGGAACACAGTAGATGCTTTTAGATCTGCTATAGGAGTACAATGGCAGCTTTCA-3'

ClinVar aggregate classification (germline): Benign (1 of 4 stars; one submission).

Allele frequency attached by ClinVar (database versions not stated): gnomAD 0.18440 and 0.18833; TOPMed 0.18699; 1000 Genomes Project 0.14677; 1000 Genomes Project 30x 0.14850.

Submission:

GeneDx
Classification: Benign. Last evaluated: 2018-06-14. Review status: criteria provided, single submitter. Criteria: GeneDx Variant Classification (06012015). Collection method: clinical testing. Allele origin: germline. Affected: yes.
Comment: This variant is considered likely benign or benign based on one or more of the following criteria: it is a conservative change, it occurs at a poorly conserved position in the protein, it is predicted to be benign by multiple in silico algorithms, and/or has population frequency not consistent with disease.